The following is an entry in ClinVar:

ClinVar aggregate classification (germline): Uncertain significance. Review status: criteria provided, multiple submitters, no conflicts (2 of 4 stars). 2 submissions from 2 submitters: Uncertain significance (2). Last evaluated 2026-02-24.

Conditions:
Inborn genetic diseases. Identifiers: MedGen C0950123, MeSH D030342.

gnomAD v4.1: 5 of 1,204,592 alleles (0.00042%); highest among the groups gnomAD compares: Non-Finnish European, 0.00045%; no homozygotes.

Submissions (2):

Ambry Genetics
Classification: Uncertain significance for Inborn genetic diseases. Last evaluated: 2026-02-24. Review status: criteria provided, single submitter. Criteria: Ambry Variant Classification Scheme 2023. Collection method: clinical testing. Allele origin: germline.

Labcorp Genetics (formerly Invitae), Labcorp
Classification: Uncertain significance. Last evaluated: 2024-05-21. Review status: criteria provided, single submitter. Criteria: Invitae Variant Classification Sherloc (09022015). Collection method: clinical testing. Allele origin: germline.
Comment: This sequence change replaces alanine, which is neutral and non-polar, with glutamic acid, which is acidic and polar, at codon 5 of the ABCB7 protein (p.Ala5Glu). The frequency data for this variant in the population databases is considered unreliable, as metrics indicate poor data quality at this position in the gnomAD database. This variant has not been reported in the literature in individuals affected with ABCB7-related conditions. An algorithm developed to predict the effect of missense changes on protein structure and function (PolyPhen-2) suggests that this variant is likely to be tolerated. In summary, the available evidence is currently insufficient to determine the role of this variant in disease. Therefore, it has been classified as a Variant of Uncertain Significance.

NM_001271696.3(ABCB7):c.14C>A (p.Ala5Glu)

Genes: ABCB7 (ATP binding cassette subfamily B member 7; minus strand), LOC130068449 (ATAC-STARR-seq lymphoblastoid active region 29770; plus strand). Cytogenetic location: Xq13.3.
Variant type: single nucleotide variant.
Coding change: c.14C>A on transcript NM_001271696.3 (MANE Select); coding-DNA position 14, C replaced by A.
Protein change: p.Ala5Glu; replaces alanine 5 with glutamic acid.
Molecular consequence: missense variant.
Genome position (GRCh38, 1-based): chrX:75,156,259, G>T on the plus strand (C>A on the coding strand, the complement: ABCB7 is on the minus strand). VCF-style: chrX-75156259-G-T. GRCh37 (hg19) VCF-style: chrX-74376094-G-T.
Other names: c.14C>A (NM_004299.3); c.14C>A, p.Ala5Glu (NM_001271697.3, NM_001271698.3, NM_001271699.3 and 1 more transcripts); short protein forms A5E.
Identifiers: ClinVar variation 3665980 (VCV003665980.3).